The following is an entry in ClinVar:

NM_031844.3(HNRNPU):c.2142G>T (p.Met714Ile)

Gene: HNRNPU (heterogeneous nuclear ribonucleoprotein U; minus strand). Cytogenetic location: 1q44.
Variant type: single nucleotide variant.
Coding change: c.2142G>T on transcript NM_031844.3 (MANE Select); coding-DNA position 2142, G replaced by T.
Protein change: p.Met714Ile; replaces methionine 714 with isoleucine.
Molecular consequence: missense variant.
Genome position (GRCh38, 1-based): chr1:244,855,929, C>A on the plus strand (G>T on the coding strand, the complement: HNRNPU is on the minus strand). VCF-style: chr1-244855929-C-A. GRCh37 (hg19) VCF-style: chr1-245019231-C-A.
Other names: c.2085G>T, p.Met695Ile (NM_004501.3); short protein forms M695I, M714I.
Identifiers: ClinVar variation 3672015 (VCV003672015.2).
Genomic context (GRCh38, chr1:244,855,929, plus strand): 5'-CTGAACTAAATACAGAACACTCAAAATTAACTTGCCTCCTCCTCTGAAATTTCCACCACG[C>A]ATATTGAATCCTCCACGTCCTCTATGGCCACCACCTCTGTTAAACTGGTTCTTGCCACTC-3'
Protein context (NP_114032.2, residues 704-724): GGHRGRGGFN[Met714Ile]RGGNFRGGAP

ClinVar aggregate classification (germline): Uncertain significance (1 of 4 stars; one submission).

Conditions:
Developmental and epileptic encephalopathy, 54. Also called: HNRNPU-Related Neurodevelopmental Disorder; Epileptic encephalopathy, early infantile, 54. Identifiers: MedGen C4479319, MONDO:0033363, OMIM 617391.

Submission:

Labcorp Genetics (formerly Invitae), Labcorp
Classification: Uncertain significance for Developmental and epileptic encephalopathy, 54. Last evaluated: 2024-02-23. Review status: criteria provided, single submitter. Criteria: Invitae Variant Classification Sherloc (09022015). Collection method: clinical testing. Allele origin: germline.
Comment: This sequence change replaces methionine, which is neutral and non-polar, with isoleucine, which is neutral and non-polar, at codon 714 of the HNRNPU protein (p.Met714Ile). This variant is present in population databases (no rsID available, gnomAD 0.0009%). This variant has not been reported in the literature in individuals affected with HNRNPU-related conditions. Advanced modeling of protein sequence and biophysical properties (such as structural, functional, and spatial information, amino acid conservation, physicochemical variation, residue mobility, and thermodynamic stability) performed at Invitae indicates that this missense variant is not expected to disrupt HNRNPU protein function with a negative predictive value of 80%. In summary, the available evidence is currently insufficient to determine the role of this variant in disease. Therefore, it has been classified as a Variant of Uncertain Significance.